The following is an entry in ClinVar:

ClinVar aggregate classification (germline): Likely pathogenic (1 of 4 stars; one submission).

Conditions:
Autosomal recessive limb-girdle muscular dystrophy type 2J (LGMDR10). Also called: Limb-girdle muscular dystrophy, type 2J; MUSCULAR DYSTROPHY, LIMB-GIRDLE, AUTOSOMAL RECESSIVE 10. Identifiers: Orphanet 140922, MedGen C1837342, MONDO:0012127, OMIM 608807.
Dilated cardiomyopathy 1G (CMD1G). Identifiers: Orphanet 154, MedGen C1858763, MONDO:0011400, OMIM 604145.

Submission:

Labcorp Genetics (formerly Invitae), Labcorp
Classification: Likely pathogenic for Dilated cardiomyopathy 1G; Autosomal recessive limb-girdle muscular dystrophy type 2J. Last evaluated: 2025-06-15. Review status: criteria provided, single submitter. Criteria: Invitae Variant Classification Sherloc (09022015). Collection method: clinical testing. Allele origin: germline.
Comment: This sequence change creates a premature translational stop signal (p.Trp10739*) in the TTN gene. While this is not anticipated to result in nonsense mediated decay, it is expected to create a truncated TTN protein. This variant is not present in population databases (gnomAD no frequency). This variant has not been reported in the literature in individuals affected with TTN-related conditions. This variant is located in the I band of TTN (PMID: 25589632). Truncating variants in this region have been reported in individuals affected with autosomal recessive centronuclear myopathy (PMID: 23975875, internal data). Truncating variants in this region have also been identified in individuals affected with autosomal dominant dilated cardiomyopathy and/or cardio-related conditions (PMID: 27869827, 32964742, internal data). In summary, the currently available evidence indicates that the variant is pathogenic, but additional data are needed to prove that conclusively. Therefore, this variant has been classified as Likely Pathogenic.

Literature cited by the submitters: PubMed 25589632; PubMed 23975875; PubMed 27869827; PubMed 32964742.

NM_001267550.2(TTN):c.32217G>A (p.Trp10739Ter)

Gene: TTN (titin; minus strand). Cytogenetic location: 2q31.2.
Variant type: single nucleotide variant.
Coding change: c.32217G>A on transcript NM_001267550.2 (MANE Select); coding-DNA position 32217, G replaced by A.
Protein change: p.Trp10739Ter; replaces tryptophan 10739 with a stop codon.
Molecular consequence: nonsense. On other transcripts: intron variant (3).
Genome position (GRCh38, 1-based): chr2:178,688,205, C>T on the plus strand (G>A on the coding strand, the complement: TTN is on the minus strand). VCF-style: chr2-178688205-C-T. GRCh37 (hg19) VCF-style: chr2-179552932-C-T.
Other names: c.31266G>A, p.Trp10422Ter (NM_001256850.1); c.28485G>A, p.Trp9495Ter (NM_133378.4); c.13283-45888G>A (NM_003319.4); c.13859-45888G>A (NM_133437.4); c.13658-45888G>A (NM_133432.3); short protein forms W10739*, W10422*, W9495*.
Identifiers: ClinVar variation 4785311 (VCV004785311.1).
Genomic context (GRCh38, chr2:178,688,205, plus strand): 5'-CTCTCTTTCTTCTTCTCTATAAACTGAAATGGACACACCTTCCTCCTCTTCTGAGTAACT[C>T]CATTCCTCCTCTGCAGATACTTTAAAAGATAAGGTTTCATTTAAATTCAGCCTGCTGAGA-3'